The following is an entry in ClinVar:

ClinVar aggregate classification (germline): Uncertain significance. Review status: criteria provided, multiple submitters, no conflicts (2 of 4 stars). 2 submissions from 2 submitters: Uncertain significance (2). Last evaluated 2025-02-08.

Conditions:
Inborn genetic diseases. Identifiers: MedGen C0950123, MeSH D030342.

Allele frequency attached by ClinVar (database versions not stated): gnomAD exomes below 0.00001 and 0.00001; TOPMed below 0.00001.
gnomAD v4.1: 5 of 1,614,008 alleles (0.00031%); highest among the groups gnomAD compares: Non-Finnish European, 0.00042%; no homozygotes.

Submissions (2):

Ambry Genetics
Classification: Uncertain significance for Inborn genetic diseases. Last evaluated: 2025-02-08. Review status: criteria provided, single submitter. Criteria: Ambry Variant Classification Scheme 2023. Collection method: clinical testing. Allele origin: germline.

Labcorp Genetics (formerly Invitae), Labcorp
Classification: Uncertain significance. Last evaluated: 2022-08-10. Review status: criteria provided, single submitter. Criteria: Invitae Variant Classification Sherloc (09022015). Collection method: clinical testing. Allele origin: germline.
Comment: In summary, the available evidence is currently insufficient to determine the role of this variant in disease. Therefore, it has been classified as a Variant of Uncertain Significance. Algorithms developed to predict the effect of missense changes on protein structure and function are either unavailable or do not agree on the potential impact of this missense change (SIFT: "Deleterious"; PolyPhen-2: "Probably Damaging"; Align-GVGD: "Class C0"). ClinVar contains an entry for this variant (Variation ID: 1008025). This variant has not been reported in the literature in individuals affected with TUBGCP4-related conditions. This variant is present in population databases (no rsID available, gnomAD 0.0009%). This sequence change replaces arginine, which is basic and polar, with cysteine, which is neutral and slightly polar, at codon 242 of the TUBGCP4 protein (p.Arg242Cys).

NM_014444.5(TUBGCP4):c.724C>T (p.Arg242Cys)

Gene: TUBGCP4 (tubulin gamma complex component 4; plus strand). Cytogenetic location: 15q15.3.
Variant type: single nucleotide variant.
Coding change: c.724C>T on transcript NM_014444.5 (MANE Select); coding-DNA position 724, C replaced by T.
Protein change: p.Arg242Cys; replaces arginine 242 with cysteine.
Molecular consequence: missense variant.
Genome position (GRCh38, 1-based): chr15:43,385,791, C>T. VCF-style: chr15-43385791-C-T. GRCh37 (hg19) VCF-style: chr15-43677989-C-T.
Other names: c.724C>T, p.Arg242Cys (NM_001286414.3); c.724C>T (NM_014444.2); short protein forms R242C.
Identifiers: ClinVar variation 1008025 (VCV001008025.11), dbSNP rs898417223, ClinGen allele CA269991524.